The following is an entry in ClinVar:

NM_139276.3(STAT3):c.*730G>A

Gene: STAT3 (signal transducer and activator of transcription 3; minus strand). Cytogenetic location: 17q21.2.
Variant type: single nucleotide variant.
Coding change: c.*730G>A on transcript NM_139276.3 (MANE Select); 730 bases downstream of the stop codon, G replaced by A.
Molecular consequence: 3 prime UTR variant.
Genome position (GRCh38, 1-based): chr17:42,315,015, C>T on the plus strand (G>A on the coding strand, the complement: STAT3 is on the minus strand). VCF-style: chr17-42315015-C-T. GRCh37 (hg19) VCF-style: chr17-40467033-C-T.
Other names: c.*730G>A (NM_001369512.1, NM_001369513.1, NM_001369514.1 and 10 more transcripts); c.*824G>A (NM_001369517.1, NM_001369518.1, NM_001369519.1 and 4 more transcripts).
Identifiers: ClinVar variation 323232 (VCV000323232.5), dbSNP rs555637030, ClinGen allele CA10639660.

ClinVar aggregate classification (germline): Benign (1 of 4 stars; one submission).

Conditions:
Hyper-IgE recurrent infection syndrome 1, autosomal dominant. Also called: HYPER-IgE SYNDROME 1, AUTOSOMAL DOMINANT, WITH RECURRENT INFECTIONS; JOB SYNDROME; Job's Syndrome; STAT3 Hyper IgE Syndrome; Hyper-IgE recurrent infection syndrome 1. Identifiers: Orphanet 2314, MedGen C2936739, MONDO:0007818, OMIM 147060.

Allele frequency attached by ClinVar (database versions not stated): 1000 Genomes Project 30x 0.00047; 1000 Genomes Project 0.00060; TOPMed 0.00085; gnomAD exomes 0.00110; gnomAD 0.00117 and 0.00120.

Submission:

Illumina Laboratory Services, Illumina
Classification: Benign for Hyper-IgE recurrent infection syndrome 1, autosomal dominant. Last evaluated: 2018-01-13. Review status: criteria provided, single submitter. Criteria: ICSL Variant Classification Criteria 13 December 2019. Collection method: clinical testing. Allele origin: germline.
Comment: This variant was observed in the ICSL laboratory as part of a predisposition screen in an ostensibly healthy population. It had not been previously curated by ICSL or reported in the Human Gene Mutation Database (HGMD: prior to June 1st, 2018), and was therefore a candidate for classification through an automated scoring system. Utilizing variant allele frequency, disease prevalence and penetrance estimates, and inheritance mode, an automated score was calculated to assess if this variant is too frequent to cause the disease. Based on the score and internal cut-off values, a variant classified as benign is not then subjected to further curation. The score for this variant resulted in a classification of benign for this disease.